The following is an entry in ClinVar:

ClinVar aggregate classification (germline): Uncertain significance. Review status: criteria provided, multiple submitters, no conflicts (2 of 4 stars). 2 submissions from 2 submitters: Uncertain significance (2). Last evaluated 2025-06-19.

Conditions:
Ehlers-Danlos syndrome, classic type, 1 (EDSCL1). Also called: Ehlers-Danlos Syndrome, Classic Type, COL5A1-Related; EHLERS-DANLOS SYNDROME, GRAVIS TYPE; EHLERS-DANLOS SYNDROME, SEVERE CLASSIC TYPE; Ehlers-Danlos syndrome, type 1; EDS I. Identifiers: MedGen C0268335, MONDO:0019567, OMIM 130000.
Ehlers-Danlos syndrome, classic type, 2 (EDSCL2). Also called: Ehlers-Danlos Syndrome, Classic Type, COL5A2-Related; Ehlers-Danlos syndrome type 2 (formerly); Ehlers-Danlos syndrome, type 2. Identifiers: Orphanet 287, Orphanet 90318, MedGen C0268336, MONDO:0019568, OMIM 130010.

Allele frequency attached by ClinVar (database versions not stated): ExAC 0.00001; gnomAD exomes below 0.00001.
gnomAD v4.1: 2 of 1,613,648 alleles (0.00012%); highest among the groups gnomAD compares: Non-Finnish European, 0.000085%; no homozygotes.

Submissions (2):

Labcorp Genetics (formerly Invitae), Labcorp
Classification: Uncertain significance for Ehlers-Danlos syndrome, classic type, 1. Last evaluated: 2025-06-19. Review status: criteria provided, single submitter. Criteria: Invitae Variant Classification Sherloc (09022015). Collection method: clinical testing. Allele origin: germline.
Comment: This sequence change replaces asparagine, which is neutral and polar, with lysine, which is basic and polar, at codon 1340 of the COL5A2 protein (p.Asn1340Lys). This variant is present in population databases (rs771310130, gnomAD 0.0009%). This variant has not been reported in the literature in individuals affected with COL5A2-related conditions. ClinVar contains an entry for this variant (Variation ID: 213124). Invitae Evidence Modeling of protein sequence and biophysical properties (such as structural, functional, and spatial information, amino acid conservation, physicochemical variation, residue mobility, and thermodynamic stability) indicates that this missense variant is not expected to disrupt COL5A2 protein function with a negative predictive value of 80%. In summary, the available evidence is currently insufficient to determine the role of this variant in disease. Therefore, it has been classified as a Variant of Uncertain Significance.

GeneDx
Classification: Uncertain significance. Last evaluated: 2015-04-23. Review status: criteria provided, single submitter. Criteria: GeneDx Variant Classification (06012015). Collection method: clinical testing. Allele origin: germline. Affected: yes.
Comment: TAAD is a genetically heterogeneous disorder characterized by aortic dilatation, aneurysms, dissections and/or aneurysms of other major arteries. It is estimated that this panel would detect a disease-causing mutation in approximately 20% of individuals with familial TAAD (Milewicz D et al., 2012). p.Asn1340Lys (N1340K) AAC>AAA: c.4020 C>A in exon 52 of the COL5A2 gene (NM_000393.3)A variant of unknown significance has been identified in the COL5A2 gene. The N1340K variant has not been published as a mutation, nor has it been reported as a benign polymorphism to our knowledge. The N1340K variant is a semi-conservative amino acid substitution, which may impact secondary protein structure as these residues differ in some properties. However, this substitution occurs at a position that is not conserved and in silico analysis is inconsistent in its predictions as to whether or not the variant is damaging to the protein structure/function. Furthermore, missense mutations in nearby residues have not been reported indicating this region of the protein may be tolerant of change. Data from control individuals was not available to assess whether N1340K may be a common benign variant in the general population. Therefore, based on the currently available information, it is unclear whether this variant is a pathogenic mutation or a rare benign variant. This variant was found in TAADV2-PANCARD

NM_000393.5(COL5A2):c.4020C>A (p.Asn1340Lys)

Gene: COL5A2 (collagen type V alpha 2 chain; minus strand). Cytogenetic location: 2q32.2.
Variant type: single nucleotide variant.
Coding change: c.4020C>A on transcript NM_000393.5 (MANE Select); coding-DNA position 4020, C replaced by A.
Protein change: p.Asn1340Lys; replaces asparagine 1340 with lysine.
Molecular consequence: missense variant.
Genome position (GRCh38, 1-based): chr2:189,036,709, G>T on the plus strand (C>A on the coding strand, the complement: COL5A2 is on the minus strand). VCF-style: chr2-189036709-G-T. GRCh37 (hg19) VCF-style: chr2-189901435-G-T.
Other names: p.N1340K:AAC>AAA; short protein forms N1340K.
Identifiers: ClinVar variation 213124 (VCV000213124.5), dbSNP rs771310130, ClinGen allele CA325425.